The following is an entry in ClinVar:

ClinVar aggregate classification (germline): Likely benign. Review status: criteria provided, multiple submitters, no conflicts (2 of 4 stars). 4 submissions from 4 submitters: Likely benign (4). Last evaluated 2026-02-06.

Conditions:
Inborn genetic diseases. Identifiers: MedGen C0950123, MeSH D030342.
Neuropathy, hereditary sensory, type 2C. Also called: Hereditary sensory and autonomic neuropathy type IIC; KIF1A-Related HSAN2 (HSAN2C). Identifiers: Orphanet 970, MedGen C3280168, MONDO:0013634, OMIM 614213.
Intellectual disability, autosomal dominant 9 (NESCAVS). Also called: KIF1A-Related Neurodevelopmental Disorder; NESCAV SYNDROME. Identifiers: Orphanet 662367, MedGen C5393830, MONDO:0013656, OMIM 614255.
Hereditary spastic paraplegia 30. Identifiers: Orphanet 101010, MedGen C5235139, MONDO:0012476.

Allele frequency attached by ClinVar (database versions not stated): gnomAD 0.00001; gnomAD exomes 0.00001 and 0.00002; TOPMed 0.00001.
gnomAD v4.1: 21 of 1,600,758 alleles (0.0013%); highest among the groups gnomAD compares: Middle Eastern, 0.066%; 1 homozygote.

Submissions (4):

Women's Health and Genetics/Laboratory Corporation of America, LabCorp
Classification: Likely benign. Last evaluated: 2026-02-06. Review status: criteria provided, single submitter. Criteria: LabCorp Variant Classification Summary - May 2015. Collection method: clinical testing. Allele origin: germline.

Labcorp Genetics (formerly Invitae), Labcorp
Classification: Likely benign for Hereditary spastic paraplegia 30; Neuropathy, hereditary sensory, type 2C; Intellectual disability, autosomal dominant 9. Last evaluated: 2024-12-12. Review status: criteria provided, single submitter. Criteria: Invitae Variant Classification Sherloc (09022015). Collection method: clinical testing. Allele origin: germline.

CeGaT Center for Human Genetics Tuebingen
Classification: Likely benign. Last evaluated: 2022-06-01. Review status: criteria provided, single submitter. Criteria: CeGaT Center For Human Genetics Tuebingen Variant Classification Criteria Version 2. Collection method: clinical testing. Allele origin: germline. Affected: yes. Observed: 1 variant allele.
Comment: KIF1A: BP4, BP7

Ambry Genetics
Classification: Likely benign for Inborn genetic diseases. Last evaluated: 2020-03-16. Review status: criteria provided, single submitter. Criteria: Ambry Variant Classification Scheme 2023. Collection method: clinical testing. Allele origin: germline.

NM_001244008.2(KIF1A):c.2358G>A (p.Thr786=)

Gene: KIF1A (kinesin family member 1A; minus strand). Cytogenetic location: 2q37.3.
Variant type: single nucleotide variant.
Coding change: c.2358G>A on transcript NM_001244008.2 (MANE Select); coding-DNA position 2358, G replaced by A.
Protein change: p.Thr786=; no amino-acid change (threonine 786 retained).
Molecular consequence: synonymous variant.
Genome position (GRCh38, 1-based): chr2:240,760,751, C>T on the plus strand (G>A on the coding strand, the complement: KIF1A is on the minus strand). VCF-style: chr2-240760751-C-T. GRCh37 (hg19) VCF-style: chr2-241700168-C-T.
Other names: c.2358G>A, p.Thr786= (NM_001320705.2, NM_001330289.2, NM_001379638.1); c.2433G>A, p.Thr811= (NM_001330290.2, NM_001379631.1, NM_001379634.1 and 2 more transcripts); c.2331G>A, p.Thr777= (NM_001379632.1, NM_001379633.1, NM_001379636.1 and 10 more transcripts); c.2406G>A, p.Thr802= (NM_001379637.1, NM_001379648.1).
Identifiers: ClinVar variation 1542761 (VCV001542761.35), dbSNP rs1177964009, ClinGen allele CA432032990.
Genomic context (GRCh38, chr2:240,760,751, plus strand): 5'-GGTGGCCCCGTTCTTCTGGTCCTGGACCTCCACGGCCACAATGGTGCGGGGGAAGGGCCG[C>T]GTCTCTCGGTCTTTGGCGGCCTCTGGGGGCAGCAGGTCGGGTGGCAGAGGGGAGTAGAGT-3'
Protein context (NP_001230937.1, residues 776-796): LPPEAAKDRE[Thr786=]RPFPRTIVAV